The following is an entry in ClinVar:

ClinVar aggregate classification (germline): Uncertain significance (1 of 4 stars; one submission).

gnomAD v4.1: 2 of 1,614,176 alleles (0.00012%); highest among the groups gnomAD compares: Non-Finnish European, 0.000085%; no homozygotes.

Submission:

Labcorp Genetics (formerly Invitae), Labcorp
Classification: Uncertain significance. Last evaluated: 2019-08-31. Review status: criteria provided, single submitter. Criteria: Invitae Variant Classification Sherloc (09022015). Collection method: clinical testing. Allele origin: germline.
Comment: This variant is not present in population databases (ExAC no frequency). In summary, the available evidence is currently insufficient to determine the role of this variant in disease. Therefore, it has been classified as a Variant of Uncertain Significance. Algorithms developed to predict the effect of missense changes on protein structure and function (SIFT, PolyPhen-2, Align-GVGD) all suggest that this variant is likely to be tolerated, but these predictions have not been confirmed by published functional studies and their clinical significance is uncertain. This variant has not been reported in the literature in individuals with COL9A1-related conditions. This sequence change replaces glutamic acid with aspartic acid at codon 876 of the COL9A1 protein (p.Glu876Asp). The glutamic acid residue is moderately conserved and there is a small physicochemical difference between glutamic acid and aspartic acid.

NM_001851.6(COL9A1):c.2628G>T (p.Glu876Asp)

Gene: COL9A1 (collagen type IX alpha 1 chain; minus strand). Cytogenetic location: 6q13.
Variant type: single nucleotide variant.
Coding change: c.2628G>T on transcript NM_001851.6 (MANE Select); coding-DNA position 2628, G replaced by T.
Protein change: p.Glu876Asp; replaces glutamic acid 876 with aspartic acid.
Molecular consequence: missense variant. On other transcripts: non-coding transcript variant (1).
Genome position (GRCh38, 1-based): chr6:70,217,035, C>A on the plus strand (G>T on the coding strand, the complement: COL9A1 is on the minus strand). VCF-style: chr6-70217035-C-A. GRCh37 (hg19) VCF-style: chr6-70926738-C-A.
Other names: c.1929G>T, p.Glu643Asp (NM_001377289.1); c.1752G>T, p.Glu584Asp (NM_001377290.1); c.1899G>T, p.Glu633Asp (NM_078485.4); short protein forms E876D, E584D, E643D, E633D.
Identifiers: ClinVar variation 934380 (VCV000934380.9), dbSNP rs1336291242, ClinGen allele CA364668057.
Genomic context (GRCh38, chr6:70,217,035, plus strand): 5'-CCCAGGAGGTCCCGGGGGTCCAGGCACTCCAGGAATTCCTGCCACCCCTGGGGGGCCTCG[C>A]TCACCGTCTCGGCCATTTCTGCCATAGCTGGCAGGGCCTGGGTCACCTGAAACACACAGA-3'
Protein context (NP_001842.3, residues 866-886): ASYGRNGRDG[Glu876Asp]RGPPGVAGIP